The following is an entry in ClinVar:

NM_000051.4(ATM):c.1813C>T (p.His605Tyr)

Gene: ATM (ATM serine/threonine kinase; plus strand). Cytogenetic location: 11q22.3.
Variant type: single nucleotide variant.
Coding change: c.1813C>T on transcript NM_000051.4 (MANE Select); coding-DNA position 1813, C replaced by T.
Protein change: p.His605Tyr; replaces histidine 605 with tyrosine.
Molecular consequence: missense variant.
Genome position (GRCh38, 1-based): chr11:108,252,827, C>T. VCF-style: chr11-108252827-C-T. GRCh37 (hg19) VCF-style: chr11-108123554-C-T.
Other names: c.1813C>T, p.His605Tyr (NM_001351834.2); short protein forms H605Y.
Identifiers: ClinVar variation 186407 (VCV000186407.13), dbSNP rs786202928, ClinGen allele CA194734.

ClinVar aggregate classification (germline): Uncertain significance. Review status: criteria provided, multiple submitters, no conflicts (2 of 4 stars). 2 submissions from 2 submitters: Uncertain significance (2). Last evaluated 2025-04-09.

Conditions:
Hereditary cancer-predisposing syndrome. Also called: Hereditary Cancer Syndrome; Neoplastic Syndromes, Hereditary; Tumor predisposition; Hereditary neoplastic syndrome. Identifiers: Orphanet 140162, MedGen C0027672, MeSH D009386, MONDO:0015356.
Ataxia-telangiectasia syndrome (AT). Also called: Ataxia-telangiectasia, complementation group D; AT, COMPLEMENTATION GROUP C; ATAXIA-TELANGIECTASIA, COMPLEMENTATION GROUP A; ATAXIA-TELANGIECTASIA, FRESNO VARIANT; Ataxia-telangiectasia; LOUIS-BAR SYNDROME. Identifiers: Orphanet 100, MedGen C0004135, MONDO:0008840, OMIM 208900.

Allele frequency attached by ClinVar (database versions not stated): gnomAD exomes below 0.00001.
gnomAD v4.1: 1 of 1,610,232 alleles (0.000062%); highest among the groups gnomAD compares: Non-Finnish European, 0.000085%; no homozygotes.

Submissions (2):

Ambry Genetics
Classification: Uncertain significance for Hereditary cancer-predisposing syndrome. Last evaluated: 2025-04-09. Review status: criteria provided, single submitter. Criteria: Ambry Variant Classification Scheme 2023. Collection method: clinical testing. Allele origin: germline.
Comment: The p.H605Y variant (also known as c.1813C>T), located in coding exon 11 of the ATM gene, results from a C to T substitution at nucleotide position 1813. The histidine at codon 605 is replaced by tyrosine, an amino acid with similar properties. This alteration was not observed in 7051 unselected breast cancer patients and was observed with a frequency of 0.00009 in 11241 female controls of Japanese ancestry (Momozawa Y et al. Nat Commun, 2018 10;9:4083). This amino acid position is well conserved in available vertebrate species. In addition, this alteration is predicted to be tolerated by in silico analysis. Since supporting evidence is limited at this time, the clinical significance of this alteration remains unclear.

Labcorp Genetics (formerly Invitae), Labcorp
Classification: Uncertain significance for Ataxia-telangiectasia syndrome. Last evaluated: 2025-04-08. Review status: criteria provided, single submitter. Criteria: Invitae Variant Classification Sherloc (09022015). Collection method: clinical testing. Allele origin: germline.
Comment: This sequence change replaces histidine, which is basic and polar, with tyrosine, which is neutral and polar, at codon 605 of the ATM protein (p.His605Tyr). This variant is not present in population databases (gnomAD no frequency). This variant has not been reported in the literature in individuals affected with ATM-related conditions. ClinVar contains an entry for this variant (Variation ID: 186407). Invitae Evidence Modeling of protein sequence and biophysical properties (such as structural, functional, and spatial information, amino acid conservation, physicochemical variation, residue mobility, and thermodynamic stability) indicates that this missense variant is not expected to disrupt ATM protein function with a negative predictive value of 95%. In summary, the available evidence is currently insufficient to determine the role of this variant in disease. Therefore, it has been classified as a Variant of Uncertain Significance.

Literature cited by the submitters: PubMed 30287823 (cited by Ambry Genetics).